The following is an entry in ClinVar:

NM_000059.4(BRCA2):c.3136G>T (p.Glu1046Ter)

Gene: BRCA2 (BRCA2 DNA repair associated; plus strand). Cytogenetic location: 13q13.1.
Variant type: single nucleotide variant.
Coding change: c.3136G>T on transcript NM_000059.4 (MANE Select); coding-DNA position 3136, G replaced by T.
Protein change: p.Glu1046Ter; replaces glutamic acid 1046 with a stop codon.
Molecular consequence: nonsense.
Genome position (GRCh38, 1-based): chr13:32,337,491, G>T. VCF-style: chr13-32337491-G-T. GRCh37 (hg19) VCF-style: chr13-32911628-G-T.
Other names: c.3136G>T (NM_000059.3); short protein forms E1046*.
Identifiers: ClinVar variation 4215278 (VCV004215278.1).

ClinVar aggregate classification (germline): Pathogenic (1 of 4 stars; one submission).

Conditions:
Hereditary cancer-predisposing syndrome. Also called: Neoplastic Syndromes, Hereditary; Tumor predisposition; Hereditary Cancer Syndrome; Hereditary neoplastic syndrome. Identifiers: Orphanet 140162, MedGen C0027672, MeSH D009386, MONDO:0015356.

Submission:

Ambry Genetics
Classification: Pathogenic for Hereditary cancer-predisposing syndrome. Last evaluated: 2025-07-01. Review status: criteria provided, single submitter. Criteria: Ambry Variant Classification Scheme 2023. Collection method: clinical testing. Allele origin: germline.
Comment: The p.E1046* pathogenic mutation (also known as c.3136G>T), located in coding exon 10 of the BRCA2 gene, results from a G to T substitution at nucleotide position 3136. This changes the amino acid from a glutamic acid to a stop codon within coding exon 10. This variant is considered to be rare based on population cohorts in the Genome Aggregation Database (gnomAD). This alteration is expected to result in loss of function by premature protein truncation or nonsense-mediated mRNA decay. As such, this alteration is interpreted as a disease-causing mutation.